The following is an entry in ClinVar:

NM_001605.3(AARS1):c.2738G>T (p.Gly913Val)

Gene: AARS1 (alanyl-tRNA synthetase 1; minus strand). Cytogenetic location: 16q22.1.
Variant type: single nucleotide variant.
Coding change: c.2738G>T on transcript NM_001605.3 (MANE Select); coding-DNA position 2738, G replaced by T.
Protein change: p.Gly913Val; replaces glycine 913 with valine.
Molecular consequence: missense variant.
Genome position (GRCh38, 1-based): chr16:70,252,890, C>A on the plus strand (G>T on the coding strand, the complement: AARS1 is on the minus strand). VCF-style: chr16-70252890-C-A. GRCh37 (hg19) VCF-style: chr16-70286793-C-A.
Other names: short protein forms G913V.
Identifiers: ClinVar variation 1018727 (VCV001018727.8), dbSNP rs369774476, ClinGen allele CA396554538.

ClinVar aggregate classification (germline): Uncertain significance (1 of 4 stars; one submission).

Conditions:
Charcot-Marie-Tooth disease type 2. Also called: Charcot-Marie-Tooth type 2. Identifiers: Orphanet 64746, MedGen C0270914, MONDO:0018993.

Submission:

Labcorp Genetics (formerly Invitae), Labcorp
Classification: Uncertain significance for Charcot-Marie-Tooth disease type 2. Last evaluated: 2020-06-26. Review status: criteria provided, single submitter. Criteria: Invitae Variant Classification Sherloc (09022015). Collection method: clinical testing. Allele origin: germline.
Comment: In summary, the available evidence is currently insufficient to determine the role of this variant in disease. Therefore, it has been classified as a Variant of Uncertain Significance. Algorithms developed to predict the effect of missense changes on protein structure and function are either unavailable or do not agree on the potential impact of this missense change (SIFT: "Deleterious"; PolyPhen-2: "Possibly Damaging"; Align-GVGD: "Class C0"). This variant has not been reported in the literature in individuals with AARS-related conditions. This variant is not present in population databases (ExAC no frequency). This sequence change replaces glycine with valine at codon 913 of the AARS protein (p.Gly913Val). The glycine residue is highly conserved and there is a moderate physicochemical difference between glycine and valine.